The following is an entry in ClinVar:

ClinVar aggregate classification (germline): Likely benign. Review status: criteria provided, multiple submitters, no conflicts (2 of 4 stars). 2 submissions from 2 submitters: Likely benign (2). Last evaluated 2023-02-01.

Allele frequency attached by ClinVar (database versions not stated): TOPMed 0.00027; gnomAD 0.00029; 1000 Genomes Project 30x 0.00031; 1000 Genomes Project 0.00040; ESP Exome Variant Server 0.00046.
gnomAD v4.1: 591 of 1,614,232 alleles (0.037%); highest among the groups gnomAD compares: Non-Finnish European, 0.048%; no homozygotes.

Submissions (2):

CeGaT Center for Human Genetics Tuebingen
Classification: Likely benign. Last evaluated: 2023-02-01. Review status: criteria provided, single submitter. Criteria: CeGaT Center For Human Genetics Tuebingen Variant Classification Criteria Version 2. Collection method: clinical testing. Allele origin: germline. Affected: yes. Observed: 1 variant allele.
Comment: PLAGL1: BP4, BP7

Labcorp Genetics (formerly Invitae), Labcorp
Classification: Likely benign. Last evaluated: 2018-05-08. Review status: criteria provided, single submitter. Criteria: Invitae Variant Classification Sherloc (09022015). Collection method: clinical testing. Allele origin: germline.

NM_001317162.2(PLAGL1):c.1143C>A (p.Ser381=)

Gene: PLAGL1 (PLAG1 like zinc finger 1; minus strand). Cytogenetic location: 6q24.2.
Variant type: single nucleotide variant.
Coding change: c.1143C>A on transcript NM_001317162.2 (MANE Select); coding-DNA position 1143, C replaced by A.
Protein change: p.Ser381=; no amino-acid change (serine 381 retained).
Molecular consequence: synonymous variant.
Genome position (GRCh38, 1-based): chr6:143,941,673, G>T on the plus strand (C>A on the coding strand, the complement: PLAGL1 is on the minus strand). VCF-style: chr6-143941673-G-T. GRCh37 (hg19) VCF-style: chr6-144262810-G-T.
Other names: c.987C>A, p.Ser329= (NM_001289037.2, NM_001289038.2, NM_001289039.2 and 6 more transcripts); c.1143C>A, p.Ser381= (NM_001289042.2, NM_001289043.2, NM_001289044.2 and 14 more transcripts).
Identifiers: ClinVar variation 742950 (VCV000742950.27), dbSNP rs145386261, ClinGen allele CA4031315.